The following is an entry in ClinVar:

ClinVar aggregate classification (germline): Benign/Likely benign. Review status: criteria provided, multiple submitters, no conflicts (2 of 4 stars). 5 submissions from 5 submitters: Benign (2); Likely benign (3). Last evaluated 2026-01-04.

Conditions:
Charcot-Marie-Tooth disease type 1C. Also called: HMSN IC; CHARCOT-MARIE-TOOTH NEUROPATHY, TYPE 1C; NEUROPATHY, HEREDITARY MOTOR AND SENSORY, TYPE IC; Charcot-Marie-Tooth disease, type IC; CHARCOT-MARIE-TOOTH DISEASE, DEMYELINATING, TYPE 1C; CMT, SLOW NERVE CONDUCTION TYPE C. Identifiers: Orphanet 101083, MedGen C0270913, MONDO:0010995, OMIM 601098.

Allele frequency attached by ClinVar (database versions not stated): ESP Exome Variant Server 0.00046; gnomAD 0.00058; TOPMed 0.00066; ExAC 0.00071; gnomAD exomes 0.00095.
gnomAD v4.1: 986 of 1,613,618 alleles (0.061%); highest among the groups gnomAD compares: Admixed American, 0.033%; 7 homozygotes.

Submissions (5):

Labcorp Genetics (formerly Invitae), Labcorp
Classification: Benign for Charcot-Marie-Tooth disease type 1C. Last evaluated: 2026-01-04. Review status: criteria provided, single submitter. Criteria: Invitae Variant Classification Sherloc (09022015). Collection method: clinical testing. Allele origin: germline.

Blueprint Genetics
Classification: Likely benign. Last evaluated: 2024-11-27. Review status: criteria provided, single submitter. Criteria: ACMG Guidelines, 2015. Collection method: clinical testing. Allele origin: germline.

ARUP Laboratories, Molecular Genetics and Genomics, ARUP Laboratories
Classification: Benign for Charcot-Marie-Tooth disease type 1C. Last evaluated: 2023-11-06. Review status: criteria provided, single submitter. Criteria: ARUP Molecular Germline Variant Investigation Process 2024. Collection method: clinical testing. Allele origin: germline.

Illumina Laboratory Services, Illumina
Classification: Likely benign for Charcot-Marie-Tooth disease type 1C. Last evaluated: 2018-01-13. Review status: criteria provided, single submitter. Criteria: ICSL Variant Classification Criteria 13 December 2019. Collection method: clinical testing. Allele origin: germline.
Comment: This variant was observed in the ICSL laboratory as part of a predisposition screen in an ostensibly healthy population. It had not been previously curated by ICSL or reported in the Human Gene Mutation Database (HGMD: prior to June 1st, 2018), and was therefore a candidate for classification through an automated scoring system. Utilizing variant allele frequency, disease prevalence and penetrance estimates, and inheritance mode, an automated score was calculated to assess if this variant is too frequent to cause the disease. Based on the score and internal cut-off values, a variant classified as likely benign is not then subjected to further curation. The score for this variant resulted in a classification of likely benign for this disease.

GeneDx
Classification: Likely benign. Last evaluated: 2017-06-16. Review status: criteria provided, single submitter. Criteria: GeneDx Variant Classification (06012015). Collection method: clinical testing. Allele origin: germline. Affected: yes.
Comment: This variant is considered likely benign or benign based on one or more of the following criteria: it is a conservative change, it occurs at a poorly conserved position in the protein, it is predicted to be benign by multiple in silico algorithms, and/or has population frequency not consistent with disease.

NM_001136472.2(LITAF):c.377+13C>G

Gene: LITAF (lipopolysaccharide induced TNF factor; minus strand). Cytogenetic location: 16p13.13.
Variant type: single nucleotide variant.
Coding change: c.377+13C>G on transcript NM_001136472.2 (MANE Select); 13 bases into the intron after coding-DNA position 377, C replaced by G.
Molecular consequence: intron variant.
Genome position (GRCh38, 1-based): chr16:11,553,520, G>C on the plus strand (C>G on the coding strand, the complement: LITAF is on the minus strand). VCF-style: chr16-11553520-G-C. GRCh37 (hg19) VCF-style: chr16-11647376-G-C.
Other names: c.377+13C>G (NM_001136473.1, NM_004862.4).
Identifiers: ClinVar variation 317781 (VCV000317781.15), dbSNP rs200357430, ClinGen allele CA7904078.
Genomic context (GRCh38, chr16:11,553,520, plus strand): 5'-TTGAGAACCCACCCCCGCCAGCACCCAGAGAGAAGGGCAGGATGGCTTGGGGCCAAGTGG[G>C]AGGCAGACTCACCCCAGCAGGCACAGGCTCCCGCAGGACAGCCAGGTCAGAGCACCGGCG-3'